The following is an entry in ClinVar:

NM_000479.5(AMH):c.1649C>T (p.Pro550Leu)

Gene: AMH (anti-Mullerian hormone; plus strand). Cytogenetic location: 19p13.3.
Variant type: single nucleotide variant.
Coding change: c.1649C>T on transcript NM_000479.5 (MANE Select); coding-DNA position 1649, C replaced by T.
Protein change: p.Pro550Leu; replaces proline 550 with leucine.
Molecular consequence: missense variant.
Genome position (GRCh38, 1-based): chr19:2,251,923, C>T. VCF-style: chr19-2251923-C-T. GRCh37 (hg19) VCF-style: chr19-2251922-C-T.
Other names: short protein forms P550L.
Identifiers: ClinVar variation 4822774 (VCV004822774.4).
Genomic context (GRCh38, chr19:2,251,923, plus strand): 5'-CCTACGCGGGCAAGCTGCTCATCAGCCTGTCGGAGGAGCGCATCAGCGCGCACCACGTGC[C>T]CAACATGGTGGCCACCGAGTGTGGCTGCCGGTGACCCCTGCGCCGCGCGGACTCCTGCCC-3'
Protein context (NP_000470.3, residues 540-560): SEERISAHHV[Pro550Leu]NMVATECGCR

ClinVar aggregate classification (germline): Likely pathogenic (1 of 4 stars; one submission).

Submission:

CeGaT Center for Human Genetics Tuebingen
Classification: Likely pathogenic. Last evaluated: 2026-01-01. Review status: criteria provided, single submitter. Criteria: CeGaT Center For Human Genetics Tuebingen Variant Classification Criteria Version 2. Collection method: clinical testing. Allele origin: germline. Affected: yes. Observed: 1 variant allele.
Comment: AMH: PM1, PM2, PM3